The following is an entry in ClinVar:

ClinVar aggregate classification (germline): Uncertain significance. Review status: criteria provided, multiple submitters, no conflicts (2 of 4 stars). 2 submissions from 2 submitters: Uncertain significance (2). Last evaluated 2026-01-07.

Conditions:
Hereditary cancer-predisposing syndrome. Also called: Neoplastic Syndromes, Hereditary; Tumor predisposition; Hereditary neoplastic syndrome; Hereditary Cancer Syndrome. Identifiers: Orphanet 140162, MedGen C0027672, MeSH D009386, MONDO:0015356.
Carney complex, type 1 (CNC1). Also called: CARNEY MYXOMA-ENDOCRINE COMPLEX; CARNEY COMPLEX, TYPE I. Identifiers: Orphanet 1359, MedGen C2607929, MONDO:0008057, OMIM 160980.

Allele frequency attached by ClinVar (database versions not stated): gnomAD exomes 0.00001; ExAC 0.00002.
gnomAD v4.1: 3 of 1,614,056 alleles (0.00019%); highest among the groups gnomAD compares: Non-Finnish European, 0.00025%; no homozygotes.

Submissions (2):

Ambry Genetics
Classification: Uncertain significance for Hereditary cancer-predisposing syndrome. Last evaluated: 2026-01-07. Review status: criteria provided, single submitter. Criteria: Ambry Variant Classification Scheme 2023. Collection method: clinical testing. Allele origin: germline.
Comment: The p.V91I variant (also known as c.271G>A), located in coding exon 2 of the PRKAR1A gene, results from a G to A substitution at nucleotide position 271. The valine at codon 91 is replaced by isoleucine, an amino acid with highly similar properties. This amino acid position is highly conserved in available vertebrate species. In addition, the in silico prediction for this alteration is inconclusive. Based on the available evidence, the clinical significance of this variant remains unclear.

Labcorp Genetics (formerly Invitae), Labcorp
Classification: Uncertain significance for Carney complex, type 1. Last evaluated: 2025-09-15. Review status: criteria provided, single submitter. Criteria: Invitae Variant Classification Sherloc (09022015). Collection method: clinical testing. Allele origin: germline.
Comment: This sequence change replaces valine, which is neutral and non-polar, with isoleucine, which is neutral and non-polar, at codon 91 of the PRKAR1A protein (p.Val91Ile). This variant is present in population databases (rs759197325, gnomAD 0.002%). This variant has not been reported in the literature in individuals affected with PRKAR1A-related conditions. ClinVar contains an entry for this variant (Variation ID: 469059). Invitae Evidence Modeling of protein sequence and biophysical properties (such as structural, functional, and spatial information, amino acid conservation, physicochemical variation, residue mobility, and thermodynamic stability) indicates that this missense variant is not expected to disrupt PRKAR1A protein function with a negative predictive value of 95%. In summary, the available evidence is currently insufficient to determine the role of this variant in disease. Therefore, it has been classified as a Variant of Uncertain Significance.

NM_002734.5(PRKAR1A):c.271G>A (p.Val91Ile)

Gene: PRKAR1A (protein kinase cAMP-dependent type I regulatory subunit alpha; plus strand). Cytogenetic location: 17q24.2.
Variant type: single nucleotide variant.
Coding change: c.271G>A on transcript NM_002734.5 (MANE Select); coding-DNA position 271, G replaced by A.
Protein change: p.Val91Ile; replaces valine 91 with isoleucine.
Molecular consequence: missense variant.
Genome position (GRCh38, 1-based): chr17:68,522,849, G>A. VCF-style: chr17-68522849-G-A. GRCh37 (hg19) VCF-style: chr17-66518990-G-A.
Other names: c.271G>A (NM_002734.3); c.271G>A, p.Val91Ile (NM_001276289.2, NM_001276290.1, NM_001278433.2 and 4 more transcripts); short protein forms V91I.
Identifiers: ClinVar variation 469059 (VCV000469059.7), dbSNP rs759197325, ClinGen allele CA8729199.